The following is an entry in ClinVar:

ClinVar aggregate classification (germline): Likely benign (1 of 4 stars; one submission).

Submission:

CeGaT Center for Human Genetics Tuebingen
Classification: Likely benign. Last evaluated: 2022-10-01. Review status: criteria provided, single submitter. Criteria: CeGaT Center For Human Genetics Tuebingen Variant Classification Criteria Version 2. Collection method: clinical testing. Allele origin: germline. Affected: yes. Observed: 1 variant allele.
Comment: ALMS1: PM2:Supporting, BP4, BP7

NM_001378454.1(ALMS1):c.2238T>G (p.Thr746=)

Gene: ALMS1 (ALMS1 centrosome and basal body associated protein; plus strand). Cytogenetic location: 2p13.1.
Variant type: single nucleotide variant.
Coding change: c.2238T>G on transcript NM_001378454.1 (MANE Select); coding-DNA position 2238, T replaced by G.
Protein change: p.Thr746=; no amino-acid change (threonine 746 retained).
Molecular consequence: synonymous variant.
Genome position (GRCh38, 1-based): chr2:73,448,765, T>G. VCF-style: chr2-73448765-T-G. GRCh37 (hg19) VCF-style: chr2-73675892-T-G.
Other names: c.2241T>G, p.Thr747= (NM_015120.4).
Identifiers: ClinVar variation 2651028 (VCV002651028.24), dbSNP rs151027635, ClinGen allele CA427019502.